The following is an entry in ClinVar:

ClinVar aggregate classification (germline): Uncertain significance (1 of 4 stars; one submission).

Conditions:
Multiple gastrointestinal atresias. Also called: FAMILIAL INTESTINAL POLYATRESIA SYNDROME; Multiple intestinal atresia. Identifiers: Orphanet 2300, MedGen C0220744, MONDO:0009465.

Submission:

Labcorp Genetics (formerly Invitae), Labcorp
Classification: Uncertain significance for Multiple gastrointestinal atresias. Last evaluated: 2019-09-30. Review status: criteria provided, single submitter. Criteria: Invitae Variant Classification Sherloc (09022015). Collection method: clinical testing. Allele origin: germline.
Comment: In summary, the available evidence is currently insufficient to determine the role of this variant in disease. Therefore, it has been classified as a Variant of Uncertain Significance. Algorithms developed to predict the effect of missense changes on protein structure and function (SIFT, PolyPhen-2, Align-GVGD) all suggest that this variant is likely to be tolerated, but these predictions have not been confirmed by published functional studies and their clinical significance is uncertain. This variant has not been reported in the literature in individuals with TTC7A-related conditions. This variant is not present in population databases (ExAC no frequency). This sequence change replaces lysine with asparagine at codon 259 of the TTC7A protein (p.Lys259Asn). The lysine residue is moderately conserved and there is a moderate physicochemical difference between lysine and asparagine.

NM_020458.4(TTC7A):c.777G>C (p.Lys259Asn)

Gene: TTC7A (tetratricopeptide repeat domain 7A; plus strand). Cytogenetic location: 2p21.
Variant type: single nucleotide variant.
Coding change: c.777G>C on transcript NM_020458.4 (MANE Select); coding-DNA position 777, G replaced by C.
Protein change: p.Lys259Asn; replaces lysine 259 with asparagine.
Molecular consequence: missense variant. On other transcripts: 5 prime UTR variant (1).
Genome position (GRCh38, 1-based): chr2:46,993,462, G>C. VCF-style: chr2-46993462-G-C. GRCh37 (hg19) VCF-style: chr2-47220601-G-C.
Other names: c.777G>C, p.Lys259Asn (NM_001288951.2); c.675G>C, p.Lys225Asn (NM_001288953.2); c.-128G>C (NM_001288955.2); short protein forms K225N, K259N.
Identifiers: ClinVar variation 964675 (VCV000964675.10), dbSNP rs376977004, ClinGen allele CA346713150.